The following is an entry in ClinVar:

NM_000719.7(CACNA1C):c.2531-3C>T

Gene: CACNA1C (calcium voltage-gated channel subunit alpha1 C; plus strand). Cytogenetic location: 12p13.33.
Variant type: single nucleotide variant.
Coding change: c.2531-3C>T on transcript NM_000719.7 (MANE Select); 3 bases into the intron before coding-DNA position 2531, C replaced by T.
Molecular consequence: intron variant.
Genome position (GRCh38, 1-based): chr12:2,593,210, C>T. VCF-style: chr12-2593210-C-T. GRCh37 (hg19) VCF-style: chr12-2702376-C-T.
Other names: c.2531-3C>T (NM_001129832.2, NM_001129831.2, NM_001129833.2 and 18 more transcripts); c.2522-3C>T (NM_001129844.2).
Identifiers: ClinVar variation 3483944 (VCV003483944.1).

ClinVar aggregate classification (germline): Uncertain significance (1 of 4 stars; one submission).

Conditions:
Cardiovascular phenotype. Identifiers: MedGen CN230736.

Submission:

Ambry Genetics
Classification: Uncertain significance for Cardiovascular phenotype. Last evaluated: 2024-08-06. Review status: criteria provided, single submitter. Criteria: Ambry Variant Classification Scheme 2023. Collection method: clinical testing. Allele origin: germline.
Comment: The c.2531-3C>T intronic variant results from a C to T substitution 3 nucleotides upstream from coding exon 19 in the CACNA1C gene. This nucleotide position is not well conserved in available vertebrate species. In silico splice site analysis predicts that this alteration will not have any significant effect on splicing. Based on the available evidence, the clinical significance of this variant remains unclear.